The following is an entry in ClinVar:

NM_000525.4(KCNJ11):c.80G>A (p.Arg27His)

Gene: KCNJ11 (potassium inwardly rectifying channel subfamily J member 11; minus strand). Cytogenetic location: 11p15.1.
Variant type: single nucleotide variant.
Coding change: c.80G>A on transcript NM_000525.4 (MANE Select); coding-DNA position 80, G replaced by A.
Protein change: p.Arg27His; replaces arginine 27 with histidine.
Molecular consequence: missense variant. On other transcripts: intron variant (3).
Genome position (GRCh38, 1-based): chr11:17,388,012, C>T on the plus strand (G>A on the coding strand, the complement: KCNJ11 is on the minus strand). VCF-style: chr11-17388012-C-T. GRCh37 (hg19) VCF-style: chr11-17409559-C-T.
Other names: c.-16-166G>A (NM_001166290.2, NM_001377297.1); c.-17+6G>A (NM_001377296.1); short protein forms R27H.
Identifiers: ClinVar variation 285043 (VCV000285043.14), dbSNP rs774714794, ClinGen allele CA5902339.

ClinVar aggregate classification (germline): Conflicting classifications of pathogenicity. Review status: criteria provided, conflicting classifications (1 of 4 stars). 8 submissions from 8 submitters: Uncertain significance (5); Benign (1). 2 of the submissions do not count toward it. Last evaluated 2025-10-20.

Conditions:
KCNJ11-related disorder. Also called: KCNJ11-related disorders; KCNJ11-related condition.
Permanent neonatal diabetes mellitus 1. Also called: GCK-Related Permanent Neonatal Diabetes Mellitus. Identifiers: MedGen C5393570, MONDO:0100165, OMIM 606176.
Hyperinsulinemic hypoglycemia, familial, 2. Also called: HYPERINSULINEMIC HYPOGLYCEMIA, PERSISTENT; HYPERINSULINISM, NEONATAL. Identifiers: Orphanet 276580, Orphanet 276603, MedGen C2931833, MONDO:0011153, OMIM 601820. Disease mechanism: loss of function.
Diabetes mellitus, transient neonatal, 3 (TNDM3). Identifiers: Orphanet 99886, MedGen C1864623, MONDO:0012522, OMIM 610582. Disease mechanism: loss of function.
Maturity-onset diabetes of the young type 13. Also called: MODY, TYPE 13. Identifiers: Orphanet 552, MedGen C4225365, MONDO:0014589, OMIM 616329.
Diabetes mellitus, permanent neonatal 2. Also called: KCNJ11-Related Permanent Neonatal Diabetes Mellitus. Identifiers: MedGen C5394296, MONDO:0030087, OMIM 618856.
Maturity-onset diabetes of the young (MODY). Also called: Maturity onset diabetes mellitus in young. Identifiers: Orphanet 552, MedGen C0342276, MONDO:0018911, HP:0004904.
Permanent neonatal diabetes mellitus (PNDM). Identifiers: Orphanet 99885, MedGen C1833104, MONDO:0100164, MONDO:0011643. Disease mechanism: gain of function.

Allele frequency attached by ClinVar (database versions not stated): gnomAD exomes 0.00002; ExAC 0.00003; gnomAD 0.00004 and 0.00005; TOPMed 0.00006.

Submissions (8):

Women's Health and Genetics/Laboratory Corporation of America, LabCorp
Classification: Uncertain significance. Last evaluated: 2025-10-20. Review status: criteria provided, single submitter. Criteria: LabCorp Variant Classification Summary - May 2015. Collection method: clinical testing. Allele origin: germline.
Comment: Variant summary: KCNJ11 c.80G>A (p.Arg27His) results in a non-conservative amino acid change in the encoded protein sequence. Algorithms developed to predict the effect of missense changes on protein structure and function are either unavailable or do not agree on the potential impact of this missense change. The variant allele was found at a frequency of 1.6e-05 in 250826 control chromosomes (gnomAD v2). The available data on variant occurrences in the general population are insufficient to allow any conclusion about variant significance. In gnomAD v4, the variant was observed as 32 heterozygotes. c.80G>A has been observed at a heterozygous state in 6 individuals from a family with type 2 diabetes or impaired glucose tolerance (Liu_2013), and in another individual with diabetes and ketosis (Ba_2024). These report(s) do not provide unequivocal conclusions about association of the variant with Congenital Hyperinsulinism and other KCNJ11 related conditions. At least one publication reports experimental evidence evaluating an impact on protein function, the variant resulted in increased ATP-sensitive potassium channel activity in vitro (Liu_2013). The following publications have been ascertained in the context of this evaluation (PMID: 39190464, 24018988). ClinVar contains an entry for this variant (Variation ID: 285043). Based on the evidence outlined above, the variant was classified as uncertain significance.

PreventionGenetics, part of Exact Sciences
Classification: Uncertain significance for KCNJ11-related condition. Last evaluated: 2022-09-29. Review status: criteria provided, single submitter. Criteria: ACMG Guidelines, 2015. Collection method: clinical testing. Allele origin: germline.
Comment: The KCNJ11 c.80G>A variant is predicted to result in the amino acid substitution p.Arg27His. This variant has been reported in five individuals from one family with early-onset type 2 diabetes (Liu et al 2013. PubMed ID: 24018988). In silico analysis of functional effects gave conflicting predications regarding its pathogenicity (Song et al. 2017. PubMed ID: 28587604). This variant is reported in 0.0040% of alleles in individuals of African descent in gnomAD. A different variant affecting the same amino acid (p.Arg27Cys) has been reported in an individual with autosomal recessive hyperinsulinism (De Franco et al. 2020. PubMed ID: 32027066). Although we suspect this variant may be pathogenic, at this time, the clinical significance of this variant is uncertain due to the absence of conclusive functional and genetic evidence.

Department of Pathology and Laboratory Medicine, Sinai Health System
Classification: Uncertain significance for Diabetes mellitus, transient neonatal, 3; Diabetes mellitus, permanent neonatal 2; Hyperinsulinemic hypoglycemia, familial, 2; Maturity-onset diabetes of the young type 13. Last evaluated: 2022-07-18. Review status: criteria provided, single submitter. Criteria: ACMG Guidelines, 2015. Collection method: research. Allele origin: germline.

GeneDx
Classification: Uncertain significance. Last evaluated: 2021-09-11. Review status: criteria provided, single submitter. Criteria: GeneDx Variant Classification Process June 2021. Collection method: clinical testing. Allele origin: germline. Affected: yes.
Comment: In silico analysis, which includes protein predictors and evolutionary conservation, supports that this variant does not alter protein structure/function; This variant is associated with the following publications: (PMID: 24018988, 28587604, 27535533)

Eurofins Ntd Llc (ga)
Classification: Uncertain significance. Last evaluated: 2015-12-02. Review status: criteria provided, single submitter. Criteria: EGL Classification Definitions 2015. Collection method: clinical testing. Allele origin: germline. Observed: 2 variant alleles, 2 heterozygotes.

Clinical Genomics, Uppaluri K&H Personalized Medicine Clinic
Classification: Benign for Maturity-onset diabetes of the young. Review status: criteria provided, single submitter. Criteria: K & H Uppaluri Personalized Medicine Clinic Variant Classification & Assertion Criteria_Updated V.1. Collection method: research. Allele origin: somatic. Inheritance: Autosomal dominant inheritance. Affected: yes.
Comment: Mutations in KCNJ11 gene can cause decreased production and secretion of insulin. This can lead to MODY which may be responsive to oral sulfonylureas. It is also associated with Neonatal Diabetes. This particular variant (rs774714794) of KCNJ11 gene is associated with early-onset type 2 diabetes mellitus. However, more studies are required to ascertain its significance in MODY.

Natera, Inc.
Classification: Uncertain significance for Permanent neonatal diabetes mellitus. Last evaluated: 2020-03-19. Review status: no assertion criteria provided. Collection method: clinical testing. Allele origin: germline. Not counted in ClinVar's aggregate classification.

Counsyl
Classification: Uncertain significance for Hyperinsulinemic hypoglycemia, familial, 2; Permanent neonatal diabetes mellitus 1; Diabetes mellitus, transient neonatal, 3. Last evaluated: 2017-08-08. Review status: no assertion criteria provided. Collection method: clinical testing. Allele origin: unknown. Not counted in ClinVar's aggregate classification.

Literature cited by the submitters: PubMed 39190464 (cited by Women's Health and Genetics/Laboratory Corporation of America, LabCorp); PubMed 24018988 (cited by Women's Health and Genetics/Laboratory Corporation of America, LabCorp and Clinical Genomics, Uppaluri K&H Personalized Medicine Clinic).